The following is an entry in ClinVar:

NM_001875.5(CPS1):c.4217C>A (p.Thr1406Asn)

Gene: CPS1 (carbamoyl-phosphate synthase 1; plus strand). Cytogenetic location: 2q34.
Variant type: single nucleotide variant.
Coding change: c.4217C>A on transcript NM_001875.5 (MANE Select); coding-DNA position 4217, C replaced by A.
Protein change: p.Thr1406Asn; replaces threonine 1406 with asparagine.
Molecular consequence: missense variant. On other transcripts: non-coding transcript variant (2).
Genome position (GRCh38, 1-based): chr2:210,675,783, C>A. VCF-style: chr2-210675783-C-A. GRCh37 (hg19) VCF-style: chr2-211540507-C-A.
Other names: T1405N; p.T1412N:ACC>AAC; CPS1, THR1405ASN (rs7422339, rs1047891); c.4217C>A, p.Thr1406Asn (NM_001122633.3, NM_001369257.1); c.4250C>A, p.Thr1417Asn (NM_001369256.1); short protein forms T1406N, T1417N.
Identifiers: ClinVar variation 128852 (VCV000128852.37), dbSNP rs1047891, ClinGen allele CA288789.

ClinVar aggregate classification (germline): Benign. Review status: criteria provided, multiple submitters, no conflicts (2 of 4 stars). 14 submissions from 14 submitters: Benign (9). 5 of the submissions do not count toward it. Last evaluated 2026-02-04.

Conditions:
CARBAMOYL PHOSPHATE SYNTHETASE I POLYMORPHISM.
Congenital hyperammonemia, type I. Also called: Carbamoyl phosphate synthetase 1 deficiency; Hyperammonemia due to carbamoyl phosphate synthetase 1 deficiency; CPS 1 deficiency; Carbamyl phosphate synthetase (CPS) deficiency; Carbamoyl phosphate synthetase I deficiency disease; CPS I DEFICIENCY. Identifiers: Orphanet 147, MedGen C4082171, MONDO:0009376, OMIM 237300.

Allele frequency attached by ClinVar (database versions not stated): 1000 Genomes Project 0.28854; 1000 Genomes Project 30x 0.29201; ExAC 0.30339; gnomAD exomes 0.30404 and 0.30897; TOPMed 0.32593; gnomAD 0.32622 and 0.33052; ESP Exome Variant Server 0.32916.
gnomAD v4.1: 499,109 of 1,606,716 alleles (31%); highest among the groups gnomAD compares: African/African-American, 36%; 79,050 homozygotes.

Submissions (14):

Labcorp Genetics (formerly Invitae), Labcorp
Classification: Benign for Congenital hyperammonemia, type I. Last evaluated: 2026-02-04. Review status: criteria provided, single submitter. Criteria: Invitae Variant Classification Sherloc (09022015). Collection method: clinical testing. Allele origin: germline.

Mayo Clinic Laboratories, Mayo Clinic
Classification: Benign. Last evaluated: 2025-03-17. Review status: criteria provided, single submitter. Criteria: ACMG Guidelines, 2015. Collection method: clinical testing. Allele origin: germline. Observed: 64 variant alleles.

Blueprint Genetics
Classification: Benign. Last evaluated: 2024-11-26. Review status: criteria provided, single submitter. Criteria: ACMG Guidelines, 2015. Collection method: clinical testing. Allele origin: germline.

Genome-Nilou Lab
Classification: Benign for Congenital hyperammonemia, type I. Last evaluated: 2021-07-10. Review status: criteria provided, single submitter. Criteria: ACMG Guidelines, 2015. Collection method: clinical testing. Allele origin: germline. Affected: no.

Illumina Laboratory Services, Illumina
Classification: Benign for Congenital hyperammonemia, type I. Last evaluated: 2018-03-06. Review status: criteria provided, single submitter. Criteria: ICSL Variant Classification Criteria 13 December 2019. Collection method: clinical testing. Allele origin: germline.
Comment: This variant was observed in the ICSL laboratory as part of a predisposition screen in an ostensibly healthy population. It had not been previously curated by ICSL or reported in the Human Gene Mutation Database (HGMD: prior to June 1st, 2018), and was therefore a candidate for classification through an automated scoring system. Utilizing variant allele frequency, disease prevalence and penetrance estimates, and inheritance mode, an automated score was calculated to assess if this variant is too frequent to cause the disease. Based on the score and internal cut-off values, a variant classified as benign is not then subjected to further curation. The score for this variant resulted in a classification of benign for this disease.

Clinical Genetics DNA and cytogenetics Diagnostics Lab, Erasmus MC, Erasmus Medical Center
Classification: Benign for Congenital hyperammonemia, type I. Last evaluated: 2017-05-31. Review status: criteria provided, single submitter. Criteria: ACGS Guidelines, 2013. Collection method: clinical testing. Allele origin: germline. Affected: yes. Study: VKGL Data-share Consensus.

GeneDx
Classification: Benign. Last evaluated: 2013-06-18. Review status: criteria provided, single submitter. Criteria: GeneDx Variant Classification (06012015). Collection method: clinical testing. Allele origin: germline. Affected: yes.
Comment: This variant is considered likely benign or benign based on one or more of the following criteria: it is a conservative change, it occurs at a poorly conserved position in the protein, it is predicted to be benign by multiple in silico algorithms, and/or has population frequency not consistent with disease.

Breakthrough Genomics
Classification: Benign. Review status: criteria provided, single submitter. Criteria: ACMG Guidelines, 2015. Collection method: not provided. Allele origin: germline. Inheritance: Autosomal recessive inheritance. Affected: yes.

PreventionGenetics, part of Exact Sciences
Classification: Benign. Review status: criteria provided, single submitter. Criteria: ACMG Guidelines, 2015. Collection method: clinical testing. Allele origin: germline.

Natera, Inc.
Classification: Benign for Carbamoyl-phosphate synthase I deficiency. Last evaluated: 2020-09-16. Review status: no assertion criteria provided. Collection method: clinical testing. Allele origin: germline. Not counted in ClinVar's aggregate classification.

OMIM
Classification: Benign for CARBAMOYL PHOSPHATE SYNTHETASE I POLYMORPHISM. Last evaluated: 2011-09-01. Review status: no assertion criteria provided. Collection method: literature only. Allele origin: germline. Not counted in ClinVar's aggregate classification.

Clinical Genetics, Academic Medical Center
Classification: Benign. Review status: no assertion criteria provided. Collection method: clinical testing. Allele origin: germline. Affected: yes. Study: VKGL Data-share Consensus. Not counted in ClinVar's aggregate classification.

Genetic Services Laboratory, University of Chicago
Classification: Likely benign for AllHighlyPenetrant. Review status: no assertion criteria provided. Collection method: clinical testing. Allele origin: germline. Inheritance: Autosomal recessive inheritance. Not counted in ClinVar's aggregate classification.
Comment: Likely benign based on allele frequency in 1000 Genomes Project or ESP global frequency and its presence in a patient with a rare or unrelated disease phenotype. NOT Sanger confirmed.

Joint Genome Diagnostic Labs from Nijmegen and Maastricht, Radboudumc and MUMC+
Classification: Benign. Review status: no assertion criteria provided. Collection method: clinical testing. Allele origin: germline. Affected: yes. Study: VKGL Data-share Consensus. Not counted in ClinVar's aggregate classification.

Literature cited by the submitters: PubMed 11407344 (cited by OMIM); PubMed 21767969 (cited by OMIM); PubMed 14718356 (cited by OMIM); PubMed 16708072 (cited by OMIM); PubMed 15465784 (cited by OMIM); PubMed 20154341 (cited by OMIM).